The following is an entry in ClinVar:

ClinVar aggregate classification (germline): Uncertain significance (1 of 4 stars; one submission).

Submission:

Ambry Genetics
Classification: Uncertain significance. Last evaluated: 2022-09-16. Review status: criteria provided, single submitter. Criteria: Ambry Variant Classification Scheme 2023. Collection method: clinical testing. Allele origin: germline.
Comment: The p.R3629S variant (also known as c.10887A>C), located in coding exon 76 of the PRKDC gene, results from an A to C substitution at nucleotide position 10887. The arginine at codon 3629 is replaced by serine, an amino acid with dissimilar properties. This amino acid position is conserved. Since supporting evidence is limited at this time, the clinical significance of this alteration remains unclear.

NM_006904.7(PRKDC):c.10887A>C (p.Arg3629Ser)

Gene: PRKDC (protein kinase, DNA-activated, catalytic subunit; minus strand). Cytogenetic location: 8q11.21.
Variant type: single nucleotide variant.
Coding change: c.10887A>C on transcript NM_006904.7 (MANE Select); coding-DNA position 10887, A replaced by C.
Protein change: p.Arg3629Ser; replaces arginine 3629 with serine.
Molecular consequence: missense variant.
Genome position (GRCh38, 1-based): chr8:47,788,921, T>G on the plus strand (A>C on the coding strand, the complement: PRKDC is on the minus strand). VCF-style: chr8-47788921-T-G. GRCh37 (hg19) VCF-style: chr8-48701482-T-G.
Other names: c.10887A>C, p.Arg3629Ser (NM_001081640.2); short protein forms R3629S.
Identifiers: ClinVar variation 1788085 (VCV001788085.2), dbSNP rs2551861312, ClinGen allele CA371132024.